The following is an entry in ClinVar:

ClinVar aggregate classification (germline): Uncertain significance (1 of 4 stars; one submission).

Submission:

GeneDx
Classification: Uncertain significance. Last evaluated: 2025-12-10. Review status: criteria provided, single submitter. Criteria: GeneDx Variant Classification Process June 2021. Collection method: clinical testing. Allele origin: germline.
Comment: Not observed at significant frequency in large population cohorts (gnomAD); In silico analysis supports that this missense variant has a deleterious effect on protein structure/function; Has not been previously published as pathogenic or benign to our knowledge

NM_018008.4(FEZF2):c.1171T>G (p.Cys391Gly)

Gene: FEZF2 (FEZ family zinc finger 2; minus strand). Cytogenetic location: 3p14.2.
Variant type: single nucleotide variant.
Coding change: c.1171T>G on transcript NM_018008.4 (MANE Select); coding-DNA position 1171, T replaced by G.
Protein change: p.Cys391Gly; replaces cysteine 391 with glycine.
Molecular consequence: missense variant.
Genome position (GRCh38, 1-based): chr3:62,370,292, A>C on the plus strand (T>G on the coding strand, the complement: FEZF2 is on the minus strand). VCF-style: chr3-62370292-A-C. GRCh37 (hg19) VCF-style: chr3-62355967-A-C.
Other names: short protein forms C391G.
Identifiers: ClinVar variation 3252468 (VCV003252468.2), dbSNP rs2529550083.